The following is an entry in ClinVar:

NM_001164508.2(NEB):c.6807+6T>G

Gene: NEB (nebulin; minus strand). Cytogenetic location: 2q23.3.
Variant type: single nucleotide variant.
Coding change: c.6807+6T>G on transcript NM_001164508.2 (MANE Select); 6 bases into the intron after coding-DNA position 6807, T replaced by G.
Molecular consequence: intron variant.
Genome position (GRCh38, 1-based): chr2:151,655,264, A>C on the plus strand (T>G on the coding strand, the complement: NEB is on the minus strand). VCF-style: chr2-151655264-A-C. GRCh37 (hg19) VCF-style: chr2-152511778-A-C.
Other names: p.?; c.6807+6T>G (NM_004543.5, NM_001164507.2, NM_001271208.2).
Identifiers: ClinVar variation 129756 (VCV000129756.35), dbSNP rs10930723, ClinGen allele CA154030.

ClinVar aggregate classification (germline): Benign. Review status: criteria provided, multiple submitters, no conflicts (2 of 4 stars). 15 submissions from 14 submitters: Benign (13). 2 of the submissions do not count toward it. Last evaluated 2026-02-04.

Conditions:
Nemaline myopathy 2 (NEM2). Also called: Nemaline myopathy 2, autosomal recessive. Identifiers: MedGen C1850569, MONDO:0009725, OMIM 256030.
Arthrogryposis multiplex congenita 6. Identifiers: MedGen C5543431, MONDO:0030281, OMIM 619334.

Allele frequency attached by ClinVar (database versions not stated): gnomAD exomes 0.24855; ESP Exome Variant Server 0.29050; gnomAD 0.29833 and 0.30067; TOPMed 0.31528; ExAC 0.34114; 1000 Genomes Project 30x 0.42848; 1000 Genomes Project 0.43091.
gnomAD v4.1: 304,814 of 1,477,502 alleles (21%); highest among the groups gnomAD compares: East Asian, 62%; 44,208 homozygotes.

Submissions (17):

Labcorp Genetics (formerly Invitae), Labcorp
Classification: Benign for Nemaline myopathy 2. Last evaluated: 2026-02-04. Review status: criteria provided, single submitter. Criteria: Invitae Variant Classification Sherloc (09022015). Collection method: clinical testing. Allele origin: germline.

Blueprint Genetics
Classification: Benign. Last evaluated: 2024-11-26. Review status: criteria provided, single submitter. Criteria: ACMG Guidelines, 2015. Collection method: clinical testing. Allele origin: germline.

Genome-Nilou Lab
Classification: Benign for Arthrogryposis multiplex congenita 6. Last evaluated: 2021-07-10. Review status: criteria provided, single submitter. Criteria: ACMG Guidelines, 2015. Collection method: clinical testing. Allele origin: germline. Affected: no.

Genome-Nilou Lab
Classification: Benign for Nemaline myopathy 2. Last evaluated: 2021-07-10. Review status: criteria provided, single submitter. Criteria: ACMG Guidelines, 2015. Collection method: clinical testing. Allele origin: germline. Affected: no.

Athena Diagnostics
Classification: Benign. Last evaluated: 2019-03-04. Review status: criteria provided, single submitter. Criteria: Athena Diagnostics Criteria. Collection method: clinical testing. Allele origin: germline.

Illumina Laboratory Services, Illumina
Classification: Benign for Nemaline myopathy 2. Last evaluated: 2018-01-12. Review status: criteria provided, single submitter. Criteria: ICSL Variant Classification Criteria 13 December 2019. Collection method: clinical testing. Allele origin: germline.
Comment: This variant was observed in the ICSL laboratory as part of a predisposition screen in an ostensibly healthy population. It had not been previously curated by ICSL or reported in the Human Gene Mutation Database (HGMD: prior to June 1st, 2018), and was therefore a candidate for classification through an automated scoring system. Utilizing variant allele frequency, disease prevalence and penetrance estimates, and inheritance mode, an automated score was calculated to assess if this variant is too frequent to cause the disease. Based on the score and internal cut-off values, a variant classified as benign is not then subjected to further curation. The score for this variant resulted in a classification of benign for this disease.

Mayo Clinic Laboratories, Mayo Clinic
Classification: Benign. Last evaluated: 2017-10-04. Review status: criteria provided, single submitter. Criteria: ACMG Guidelines, 2015. Collection method: clinical testing. Allele origin: germline. Observed: 228 variant alleles.

Women's Health and Genetics/Laboratory Corporation of America, LabCorp
Classification: Benign. Last evaluated: 2017-02-27. Review status: criteria provided, single submitter. Criteria: LabCorp Variant Classification Summary - May 2015. Collection method: clinical testing. Allele origin: germline.
Comment: Variant summary: The NEB c.6807+6T>G variant involves the alteration of a non-conserved intronic nucleotide. One in silico tool predicts a benign outcome for this variant. 4/5 splice prediction tools predict no significant impact on normal splicing. However, these predictions have yet to be confirmed by functional studies. This variant was found in 28501/83546 control chromosomes (5084 homozygotes) at a frequency of 0.3411414, which is approximately 96 times the estimated maximal expected allele frequency of a pathogenic NEB variant (0.0035355), evidence that this variant is a benign polymorphism. In addition, multiple clinical diagnostic laboratories/reputable databases classified this variant as benign. Taken together, this variant is classified as benign.

GeneDx
Classification: Benign. Last evaluated: 2016-01-05. Review status: criteria provided, single submitter. Criteria: GeneDx Variant Classification (06012015). Collection method: clinical testing. Allele origin: germline. Affected: yes.
Comment: This variant is considered likely benign or benign based on one or more of the following criteria: it is a conservative change, it occurs at a poorly conserved position in the protein, it is predicted to be benign by multiple in silico algorithms, and/or has population frequency not consistent with disease.

Laboratory for Molecular Medicine, Mass General Brigham Personalized Medicine
Classification: Benign. Last evaluated: 2015-01-13. Review status: criteria provided, single submitter. Criteria: LMM Criteria. Collection method: clinical testing. Allele origin: germline. Observed: 5 variant alleles.
Comment: c.6807+6T>G in intron 51 of NEB: This variant is not expected to have clinical s ignificance because it has been identified in 43.1% (1543/3582) of African Ameri can chromosomes from a broad population by the NHLBI Exome Sequencing Project (dbSNP rs10930723).

Eurofins Ntd Llc (ga)
Classification: Benign. Last evaluated: 2013-11-27. Review status: criteria provided, single submitter. Criteria: EGL Classification Definitions 2015. Collection method: clinical testing. Allele origin: germline. Observed: 3 variant alleles, 3 heterozygotes.

Breakthrough Genomics
Classification: Benign. Review status: criteria provided, single submitter. Criteria: ACMG Guidelines, 2015. Collection method: not provided. Allele origin: germline. Inheritance: Autosomal recessive inheritance. Affected: yes.

PreventionGenetics, part of Exact Sciences
Classification: Benign. Review status: criteria provided, single submitter. Criteria: ACMG Guidelines, 2015. Collection method: clinical testing. Allele origin: germline.

Natera, Inc.
Classification: Benign for Nemaline myopathy type 2. Last evaluated: 2020-09-16. Review status: no assertion criteria provided. Collection method: clinical testing. Allele origin: germline. Not counted in ClinVar's aggregate classification.

Dr. Peter K. Rogan Lab, Western University
No classification provided (evidence only). Condition: Malignant lymphoma, large B-cell, diffuse. Review status: no classification provided. Collection method: in vitro. Allele origin: not applicable. Functional consequence: retained intron. Not counted in ClinVar's aggregate classification.

Dr. Peter K. Rogan Lab, Western University
No classification provided (evidence only). Condition: Chronic lymphocytic leukemia/small lymphocytic lymphoma. Review status: no classification provided. Collection method: in vitro. Allele origin: not applicable. Functional consequence: retained intron. Not counted in ClinVar's aggregate classification.

Genetic Services Laboratory, University of Chicago
Classification: Likely benign for AllHighlyPenetrant. Review status: no assertion criteria provided. Collection method: clinical testing. Allele origin: germline. Inheritance: Autosomal recessive inheritance. Not counted in ClinVar's aggregate classification.
Comment: Likely benign based on allele frequency in 1000 Genomes Project or ESP global frequency and its presence in a patient with a rare or unrelated disease phenotype. NOT Sanger confirmed.